The following is an entry in ClinVar:

NM_000135.4(FANCA):c.98A>G (p.Glu33Gly)

Gene: FANCA (FA complementation group A; minus strand). Cytogenetic location: 16q24.3.
Variant type: single nucleotide variant.
Coding change: c.98A>G on transcript NM_000135.4 (MANE Select); coding-DNA position 98, A replaced by G.
Protein change: p.Glu33Gly; replaces glutamic acid 33 with glycine.
Molecular consequence: missense variant.
Genome position (GRCh38, 1-based): chr16:89,815,968, T>C on the plus strand (A>G on the coding strand, the complement: FANCA is on the minus strand). VCF-style: chr16-89815968-T-C. GRCh37 (hg19) VCF-style: chr16-89882376-T-C.
Other names: c.98A>G, p.Glu33Gly (NM_001018112.3, NM_001286167.3, NM_001351830.2); short protein forms E33G.
Identifiers: ClinVar variation 2170637 (VCV002170637.2), dbSNP rs372857989, ClinGen allele CA8253175.

ClinVar aggregate classification (germline): Uncertain significance. Review status: criteria provided, multiple submitters, no conflicts (2 of 4 stars). 2 submissions from 2 submitters: Uncertain significance (2). Last evaluated 2025-12-07.

Conditions:
Inborn genetic diseases. Identifiers: MedGen C0950123, MeSH D030342.
Fanconi anemia (FA). Also called: Fanconi's anemia. Identifiers: Orphanet 84, MedGen C0015625, MeSH D005199, MONDO:0019391.

Allele frequency attached by ClinVar (database versions not stated): TOPMed 0.00001; gnomAD 0.00001; ESP Exome Variant Server 0.00008; ExAC 0.00001.
gnomAD v4.1: 1 of 1,613,756 alleles (0.000062%); highest among the groups gnomAD compares: African/African-American, 0.0013%; no homozygotes.

Submissions (2):

Ambry Genetics
Classification: Uncertain significance for Inborn genetic diseases. Last evaluated: 2025-12-07. Review status: criteria provided, single submitter. Criteria: Ambry Variant Classification Scheme 2023. Collection method: clinical testing. Allele origin: germline.
Comment: The p.E33G variant (also known as c.98A>G), located in coding exon 2 of the FANCA gene, results from an A to G substitution at nucleotide position 98. The glutamic acid at codon 33 is replaced by glycine, an amino acid with similar properties. This amino acid position is conserved. In addition, this alteration is predicted to be tolerated by in silico analysis. Based on the available evidence, the clinical significance of this variant remains unclear.

Labcorp Genetics (formerly Invitae), Labcorp
Classification: Uncertain significance for Fanconi anemia. Last evaluated: 2022-09-28. Review status: criteria provided, single submitter. Criteria: Invitae Variant Classification Sherloc (09022015). Collection method: clinical testing. Allele origin: germline.
Comment: This sequence change replaces glutamic acid, which is acidic and polar, with glycine, which is neutral and non-polar, at codon 33 of the FANCA protein (p.Glu33Gly). This variant is present in population databases (rs372857989, gnomAD 0.007%). This variant has not been reported in the literature in individuals affected with FANCA-related conditions. Advanced modeling of protein sequence and biophysical properties (such as structural, functional, and spatial information, amino acid conservation, physicochemical variation, residue mobility, and thermodynamic stability) performed at Invitae indicates that this missense variant is not expected to disrupt FANCA protein function. In summary, the available evidence is currently insufficient to determine the role of this variant in disease. Therefore, it has been classified as a Variant of Uncertain Significance.